The following is an entry in ClinVar:

ClinVar aggregate classification (germline): Uncertain significance. Review status: criteria provided, multiple submitters, no conflicts (2 of 4 stars). 5 submissions from 5 submitters: Uncertain significance (5). Last evaluated 2025-09-27.

Conditions:
Hereditary cancer-predisposing syndrome. Also called: Hereditary neoplastic syndrome; Neoplastic Syndromes, Hereditary; Tumor predisposition; Hereditary Cancer Syndrome. Identifiers: Orphanet 140162, MedGen C0027672, MeSH D009386, MONDO:0015356.
Birt-Hogg-Dube syndrome. Also called: Birt Hogg Dubé syndrome. Identifiers: Orphanet 122, MedGen C0346010, MONDO:0800444.

Allele frequency attached by ClinVar (database versions not stated): gnomAD 0.00001; TOPMed 0.00001.
gnomAD v4.1: 11 of 1,614,058 alleles (0.00068%); highest among the groups gnomAD compares: Non-Finnish European, 0.00093%; no homozygotes.

Submissions (5):

Ambry Genetics
Classification: Uncertain significance for Hereditary cancer-predisposing syndrome. Last evaluated: 2025-09-27. Review status: criteria provided, single submitter. Criteria: Ambry Variant Classification Scheme 2023. Collection method: clinical testing. Allele origin: germline.
Comment: The p.E101A variant (also known as c.302A>C), located in coding exon 2 of the FLCN gene, results from an A to C substitution at nucleotide position 302. The glutamic acid at codon 101 is replaced by alanine, an amino acid with dissimilar properties. This amino acid position is highly conserved in available vertebrate species. In addition, this alteration is predicted to be deleterious by in silico analysis. Since supporting evidence is limited at this time, the clinical significance of this alteration remains unclear.

Labcorp Genetics (formerly Invitae), Labcorp
Classification: Uncertain significance for Birt-Hogg-Dube syndrome. Last evaluated: 2025-08-11. Review status: criteria provided, single submitter. Criteria: Invitae Variant Classification Sherloc (09022015). Collection method: clinical testing. Allele origin: germline.
Comment: This sequence change replaces glutamic acid, which is acidic and polar, with alanine, which is neutral and non-polar, at codon 101 of the FLCN protein (p.Glu101Ala). This variant is not present in population databases (gnomAD no frequency). This variant has not been reported in the literature in individuals affected with FLCN-related conditions. ClinVar contains an entry for this variant (Variation ID: 485597). Invitae Evidence Modeling of protein sequence and biophysical properties (such as structural, functional, and spatial information, amino acid conservation, physicochemical variation, residue mobility, and thermodynamic stability) indicates that this missense variant is not expected to disrupt FLCN protein function with a negative predictive value of 80%. In summary, the available evidence is currently insufficient to determine the role of this variant in disease. Therefore, it has been classified as a Variant of Uncertain Significance.

St. Jude Molecular Pathology, St. Jude Children's Research Hospital
Classification: Uncertain significance for Birt-Hogg-Dube syndrome 1. Last evaluated: 2023-11-01. Review status: criteria provided, single submitter. Criteria: St. Jude Assertion Criteria 2020. Collection method: clinical testing. Allele origin: germline.
Comment: The FLCN c.302A>C (p.Glu101Ala) missense change is absent in gnomAD v2.1.1. The in silico tool REVEL predicts a deleterious effect on protein function, but to our knowledge this prediction has not been confirmed by functional studies. To our knowledge, this variant has not been reported in individuals with Birt-Hogg-Dubé syndrome. In summary, the evidence currently available is insufficient to determine the clinical significance of this variant. It has therefore been classified as of uncertain significance.

Baylor Genetics
Classification: Uncertain significance for Birt-Hogg-Dube syndrome 1. Last evaluated: 2023-10-25. Review status: criteria provided, single submitter. Criteria: ACMG Guidelines, 2015. Collection method: clinical testing. Allele origin: unknown.

GeneDx
Classification: Uncertain significance. Last evaluated: 2022-11-04. Review status: criteria provided, single submitter. Criteria: GeneDx Variant Classification Process June 2021. Collection method: clinical testing. Allele origin: germline. Affected: yes.
Comment: Not observed at significant frequency in large population cohorts (gnomAD); In silico analysis supports that this missense variant has a deleterious effect on protein structure/function; Has not been previously published as pathogenic or benign to our knowledge

NM_144997.7(FLCN):c.302A>C (p.Glu101Ala)

Gene: FLCN (folliculin; minus strand). Cytogenetic location: 17p11.2.
Variant type: single nucleotide variant.
Coding change: c.302A>C on transcript NM_144997.7 (MANE Select); coding-DNA position 302, A replaced by C.
Protein change: p.Glu101Ala; replaces glutamic acid 101 with alanine.
Molecular consequence: missense variant.
Genome position (GRCh38, 1-based): chr17:17,226,270, T>G on the plus strand (A>C on the coding strand, the complement: FLCN is on the minus strand). VCF-style: chr17-17226270-T-G. GRCh37 (hg19) VCF-style: chr17-17129584-T-G.
Other names: c.302A>C, p.Glu101Ala (NM_001353229.2, NM_001353230.2, NM_001353231.2 and 1 more transcripts); c.302A>C (LRG_325t1); short protein forms E101A.
Identifiers: ClinVar variation 485597 (VCV000485597.15), dbSNP rs958255980, ClinGen allele CA398534885.